The following is an entry in ClinVar:

NM_198578.4(LRRK2):c.7205A>G (p.Lys2402Arg)

Gene: LRRK2 (leucine rich repeat kinase 2; plus strand). Cytogenetic location: 12q12.
Variant type: single nucleotide variant.
Coding change: c.7205A>G on transcript NM_198578.4 (MANE Select); coding-DNA position 7205, A replaced by G.
Protein change: p.Lys2402Arg; replaces lysine 2402 with arginine.
Molecular consequence: missense variant.
Genome position (GRCh38, 1-based): chr12:40,364,865, A>G. VCF-style: chr12-40364865-A-G. GRCh37 (hg19) VCF-style: chr12-40758667-A-G.
Other names: short protein forms K2402R.
Identifiers: ClinVar variation 2624898 (VCV002624898.2), dbSNP rs2500037183, ClinGen allele CA384414517.

ClinVar aggregate classification (germline): Uncertain significance (1 of 4 stars; one submission).

Conditions:
Inborn genetic diseases. Identifiers: MedGen C0950123, MeSH D030342.

Allele frequency attached by ClinVar (database versions not stated): gnomAD exomes 0.00001.
gnomAD v4.1: 5 of 1,612,044 alleles (0.00031%); highest among the groups gnomAD compares: Admixed American, 0.0033%; 1 homozygote.

Submission:

Ambry Genetics
Classification: Uncertain significance for Inborn genetic diseases. Last evaluated: 2023-07-27. Review status: criteria provided, single submitter. Criteria: Ambry Variant Classification Scheme 2023. Collection method: clinical testing. Allele origin: germline.
Comment: The p.K2402R variant (also known as c.7205A>G), located in coding exon 49 of the LRRK2 gene, results from an A to G substitution at nucleotide position 7205. The lysine at codon 2402 is replaced by arginine, an amino acid with highly similar properties. This amino acid position is conserved. In addition, this alteration is predicted to be tolerated by in silico analysis. Since supporting evidence is limited at this time, the clinical significance of this alteration remains unclear.